The following is an entry in ClinVar:

ClinVar aggregate classification (germline): Uncertain significance. Review status: criteria provided, multiple submitters, no conflicts (2 of 4 stars). 2 submissions from 2 submitters: Uncertain significance (2). Last evaluated 2024-05-13.

Submissions (2):

Labcorp Genetics (formerly Invitae), Labcorp
Classification: Uncertain significance. Last evaluated: 2024-05-13. Review status: criteria provided, single submitter. Criteria: Invitae Variant Classification Sherloc (09022015). Collection method: clinical testing. Allele origin: germline.
Comment: This sequence change replaces valine, which is neutral and non-polar, with leucine, which is neutral and non-polar, at codon 1336 of the HIVEP2 protein (p.Val1336Leu). This variant is not present in population databases (gnomAD no frequency). This variant has not been reported in the literature in individuals affected with HIVEP2-related conditions. Advanced modeling of protein sequence and biophysical properties (such as structural, functional, and spatial information, amino acid conservation, physicochemical variation, residue mobility, and thermodynamic stability) performed at Invitae indicates that this missense variant is expected to disrupt HIVEP2 protein function with a positive predictive value of 80%. In summary, the available evidence is currently insufficient to determine the role of this variant in disease. Therefore, it has been classified as a Variant of Uncertain Significance.

GeneDx
Classification: Uncertain significance. Last evaluated: 2024-04-03. Review status: criteria provided, single submitter. Criteria: GeneDx Variant Classification Process June 2021. Collection method: clinical testing. Allele origin: germline. Affected: yes.
Comment: Not observed at significant frequency in large population cohorts (gnomAD); In silico analysis supports that this missense variant does not alter protein structure/function; Has not been previously published as pathogenic or benign to our knowledge

NM_006734.4(HIVEP2):c.4006G>C (p.Val1336Leu)

Gene: HIVEP2 (HIVEP zinc finger 2; minus strand). Cytogenetic location: 6q24.2.
Variant type: single nucleotide variant.
Coding change: c.4006G>C on transcript NM_006734.4 (MANE Select); coding-DNA position 4006, G replaced by C.
Protein change: p.Val1336Leu; replaces valine 1336 with leucine.
Molecular consequence: missense variant.
Genome position (GRCh38, 1-based): chr6:142,770,733, C>G on the plus strand (G>C on the coding strand, the complement: HIVEP2 is on the minus strand). VCF-style: chr6-142770733-C-G. GRCh37 (hg19) VCF-style: chr6-143091870-C-G.
Other names: short protein forms V1336L.
Identifiers: ClinVar variation 3371799 (VCV003371799.3).